The following is an entry in ClinVar:

NM_001887.4(CRYBB1):c.292G>A (p.Ala98Thr)

Genes: CRYBA4 (crystallin beta A4; plus strand), CRYBB1 (crystallin beta B1; minus strand). Cytogenetic location: 22q12.1.
Variant type: single nucleotide variant.
Coding change: c.292G>A on transcript NM_001887.4 (MANE Select); coding-DNA position 292, G replaced by A.
Protein change: p.Ala98Thr; replaces alanine 98 with threonine.
Molecular consequence: missense variant.
Genome position (GRCh38, 1-based): chr22:26,612,079, C>T on the plus strand (G>A on the coding strand, the complement: CRYBB1 is on the minus strand). VCF-style: chr22-26612079-C-T. GRCh37 (hg19) VCF-style: chr22-27008043-C-T.
Other names: short protein forms A98T.
Identifiers: ClinVar variation 902685 (VCV000902685.16), dbSNP rs200002097, ClinGen allele CA10165525.
Genomic context (GRCh38, chr22:26,612,079, plus strand): 5'-TGTGGTCATTTTACTGTGGCAGAGAGTGTGCCCCTCCGCCGCCCAGTACTCACGGTCCCG[C>T]GGAGACAATGATGCTGCGCACACGGTCGAAGCCACGGTCTGCCAGATTTGAGCACTCCCC-3'
Protein context (NP_001878.1, residues 88-108): FDRVRSIIVS[Ala98Thr]GPWVAFEQSN

ClinVar aggregate classification (germline): Uncertain significance. Review status: criteria provided, multiple submitters, no conflicts (2 of 4 stars). 3 submissions from 3 submitters: Uncertain significance (3). Last evaluated 2026-01-01.

Conditions:
Cataract 17 multiple types. Also called: CATARACT 17, PULVERULENT; CATARACT 17, CONGENITAL NUCLEAR, AUTOSOMAL RECESSIVE. Identifiers: Orphanet 91492, MedGen C3888124, MONDO:0012688, OMIM 611544.

Allele frequency attached by ClinVar (database versions not stated): gnomAD 0.00006 and 0.00007; ESP Exome Variant Server 0.00008; TOPMed 0.00008; gnomAD exomes 0.00009 and 0.00011; ExAC 0.00012.

Submissions (3):

CeGaT Center for Human Genetics Tuebingen
Classification: Uncertain significance. Last evaluated: 2026-01-01. Review status: criteria provided, single submitter. Criteria: CeGaT Center For Human Genetics Tuebingen Variant Classification Criteria Version 2. Collection method: clinical testing. Allele origin: germline. Affected: yes. Observed: 1 variant allele.
Comment: CRYBB1: PM2, BP4

Labcorp Genetics (formerly Invitae), Labcorp
Classification: Uncertain significance for Cataract 17 multiple types. Last evaluated: 2025-11-12. Review status: criteria provided, single submitter. Criteria: Invitae Variant Classification Sherloc (09022015). Collection method: clinical testing. Allele origin: germline.
Comment: This sequence change replaces alanine, which is neutral and non-polar, with threonine, which is neutral and polar, at codon 98 of the CRYBB1 protein (p.Ala98Thr). This variant is present in population databases (rs200002097, gnomAD 0.02%). This variant has not been reported in the literature in individuals affected with CRYBB1-related conditions. ClinVar contains an entry for this variant (Variation ID: 902685). Invitae Evidence Modeling of protein sequence and biophysical properties (such as structural, functional, and spatial information, amino acid conservation, physicochemical variation, residue mobility, and thermodynamic stability) indicates that this missense variant is not expected to disrupt CRYBB1 protein function with a negative predictive value of 80%. In summary, the available evidence is currently insufficient to determine the role of this variant in disease. Therefore, it has been classified as a Variant of Uncertain Significance.

Illumina Laboratory Services, Illumina
Classification: Uncertain significance for Cataract 17 multiple types. Last evaluated: 2017-04-27. Review status: criteria provided, single submitter. Criteria: ICSL Variant Classification Criteria 13 December 2019. Collection method: clinical testing. Allele origin: germline.